The following is an entry in ClinVar:

ClinVar aggregate classification (germline): Uncertain significance. Review status: criteria provided, multiple submitters, no conflicts (2 of 4 stars). 2 submissions from 2 submitters: Uncertain significance (2). Last evaluated 2025-04-07.

Conditions:
Cardiovascular phenotype. Identifiers: MedGen CN230736.
Capillary malformation-arteriovenous malformation syndrome. Also called: Capillary malformation-arteriovenous malformation. Identifiers: Orphanet 137667, MedGen C1842180, MONDO:0012016.

Allele frequency attached by ClinVar (database versions not stated): gnomAD 0.00002; gnomAD exomes below 0.00001; TOPMed 0.00002.
gnomAD v4.1: 6 of 1,611,488 alleles (0.00037%); highest among the groups gnomAD compares: African/African-American, 0.0067%; no homozygotes.

Submissions (2):

Ambry Genetics
Classification: Uncertain significance for Cardiovascular phenotype. Last evaluated: 2025-04-07. Review status: criteria provided, single submitter. Criteria: Ambry Variant Classification Scheme 2023. Collection method: clinical testing. Allele origin: germline.
Comment: The p.V368G variant (also known as c.1103T>G) is located in coding exon 8 of the RASA1 gene. The valine at codon 368 is replaced by glycine, an amino acid with dissimilar properties. This change occurs in the first base pair of coding exon 8. This amino acid position is conserved. In addition, this alteration is predicted to be deleterious by in silico analysis. Based on the available evidence, the clinical significance of this variant remains unclear.

Labcorp Genetics (formerly Invitae), Labcorp
Classification: Uncertain significance for Capillary malformation-arteriovenous malformation syndrome. Last evaluated: 2024-07-08. Review status: criteria provided, single submitter. Criteria: Invitae Variant Classification Sherloc (09022015). Collection method: clinical testing. Allele origin: germline.
Comment: This sequence change replaces valine, which is neutral and non-polar, with glycine, which is neutral and non-polar, at codon 368 of the RASA1 protein (p.Val368Gly). This variant is present in population databases (no rsID available, gnomAD 0.01%). This variant has not been reported in the literature in individuals affected with RASA1-related conditions. ClinVar contains an entry for this variant (Variation ID: 1440607). An algorithm developed to predict the effect of missense changes on protein structure and function (PolyPhen-2) suggests that this variant is likely to be disruptive. In summary, the available evidence is currently insufficient to determine the role of this variant in disease. Therefore, it has been classified as a Variant of Uncertain Significance.

NM_002890.3(RASA1):c.1103T>G (p.Val368Gly)

Genes: CCNH (cyclin H; minus strand), RASA1 (RAS p21 protein activator 1; plus strand). Cytogenetic location: 5q14.3.
Variant type: single nucleotide variant.
Coding change: c.1103T>G on transcript NM_002890.3 (MANE Select); coding-DNA position 1103, T replaced by G.
Protein change: p.Val368Gly; replaces valine 368 with glycine.
Molecular consequence: missense variant. On other transcripts: intron variant (1).
Genome position (GRCh38, 1-based): chr5:87,349,214, T>G. VCF-style: chr5-87349214-T-G. GRCh37 (hg19) VCF-style: chr5-86645031-T-G.
Other names: c.572T>G, p.Val191Gly (NM_022650.3); c.934-36419A>C (NM_001364075.2); short protein forms V191G, V368G.
Identifiers: ClinVar variation 1440607 (VCV001440607.7), dbSNP rs1038459573, ClinGen allele CA121789773.